The following is an entry in ClinVar:

ClinVar aggregate classification (germline): Uncertain significance (1 of 4 stars; one submission).

Allele frequency attached by ClinVar (database versions not stated): gnomAD exomes 0.00006; gnomAD 0.00006; TOPMed 0.00004; ExAC 0.00005; ESP Exome Variant Server 0.00008.
gnomAD v4.1: 96 of 1,613,864 alleles (0.0059%); highest among the groups gnomAD compares: Non-Finnish European, 0.0075%; no homozygotes.

Submission:

Ambry Genetics
Classification: Uncertain significance. Last evaluated: 2026-06-23. Review status: criteria provided, single submitter. Criteria: Ambry Variant Classification Scheme 2023. Collection method: clinical testing. Allele origin: germline.
Comment: The c.233G>A (p.R78Q) alteration is located in exon 2 (coding exon 2) of the CEACAM8 gene. This alteration results from a G to A substitution at nucleotide position 233, causing the arginine (R) at amino acid position 78 to be replaced by a glutamine (Q). Based on data from gnomAD, the A allele has an overall frequency of 0.004% (10/282792) total alleles studied. The highest observed frequency was 0.014% (1/7222) of Other alleles. Based on insufficient or conflicting evidence, the clinical significance of this alteration remains unclear.

NM_001816.4(CEACAM8):c.233G>A (p.Arg78Gln)

Genes: CEACAM8 (CEA cell adhesion molecule 8; minus strand), LIPE-AS1 (LIPE antisense RNA 1; plus strand). Cytogenetic location: 19q13.2.
Variant type: single nucleotide variant.
Coding change: c.233G>A on transcript NM_001816.4 (MANE Select); coding-DNA position 233, G replaced by A.
Protein change: p.Arg78Gln; replaces arginine 78 with glutamine.
Molecular consequence: missense variant.
Genome position (GRCh38, 1-based): chr19:42,593,732, C>T on the plus strand (G>A on the coding strand, the complement: CEACAM8 is on the minus strand). VCF-style: chr19-42593732-C-T. GRCh37 (hg19) VCF-style: chr19-43097884-C-T.
Other names: short protein forms R78Q.
Identifiers: ClinVar variation 2589249 (VCV002589249.3), dbSNP rs371559320, ClinGen allele CA9478329.